The following is an entry in ClinVar:

NC_000006.11:g.(?_129618820)_(129619020_?)del

Gene: LAMA2 (laminin subunit alpha 2; plus strand). Cytogenetic location: 6q22.33.
Variant type: Deletion.
Identifiers: ClinVar variation 1457499 (VCV001457499.5).

ClinVar aggregate classification (germline): Pathogenic (1 of 4 stars; one submission).

Conditions:
LAMA2-related muscular dystrophy (LAMA2-RD). Also called: Laminin alpha 2-related dystrophy. Identifiers: MedGen C5679788, MONDO:0100228.

Submission:

Labcorp Genetics (formerly Invitae), Labcorp
Classification: Pathogenic for LAMA2-related muscular dystrophy. Last evaluated: 2021-07-13. Review status: criteria provided, single submitter. Criteria: Invitae Variant Classification Sherloc (09022015). Collection method: clinical testing. Allele origin: germline.
Comment: This variant is a gross deletion of the genomic region encompassing exon(s) 21 of the LAMA2 gene. This deletion is out-of-frame, and is expected to create a premature translational stop signal and result in an absent or disrupted protein product. Loss-of-function variants in LAMA2 are known to be pathogenic (PMID: 18700894). This variant has not been reported in the literature in individuals affected with LAMA2-related conditions. For these reasons, this variant has been classified as Pathogenic.

Literature cited by the submitters: PubMed 18700894.